The following is an entry in ClinVar:

ClinVar aggregate classification (germline): Uncertain significance (1 of 4 stars; one submission).

Conditions:
Schuurs-Hoeijmakers syndrome. Also called: PACS1-Related Neurodevelopmental Disorder. Identifiers: Orphanet 329224, MedGen C3554343, MONDO:0014006, OMIM 615009.

Submission:

Labcorp Genetics (formerly Invitae), Labcorp
Classification: Uncertain significance for Schuurs-Hoeijmakers syndrome. Last evaluated: 2024-09-27. Review status: criteria provided, single submitter. Criteria: Invitae Variant Classification Sherloc (09022015). Collection method: clinical testing. Allele origin: germline.
Comment: This sequence change replaces proline, which is neutral and non-polar, with leucine, which is neutral and non-polar, at codon 815 of the PACS1 protein (p.Pro815Leu). This variant is not present in population databases (gnomAD no frequency). This variant has not been reported in the literature in individuals affected with PACS1-related conditions. Invitae Evidence Modeling of protein sequence and biophysical properties (such as structural, functional, and spatial information, amino acid conservation, physicochemical variation, residue mobility, and thermodynamic stability) indicates that this missense variant is not expected to disrupt PACS1 protein function with a negative predictive value of 80%. In summary, the available evidence is currently insufficient to determine the role of this variant in disease. Therefore, it has been classified as a Variant of Uncertain Significance.

NM_018026.4(PACS1):c.2444C>T (p.Pro815Leu)

Gene: PACS1 (phosphofurin acidic cluster sorting protein 1; plus strand). Cytogenetic location: 11q13.2.
Variant type: single nucleotide variant.
Coding change: c.2444C>T on transcript NM_018026.4 (MANE Select); coding-DNA position 2444, C replaced by T.
Protein change: p.Pro815Leu; replaces proline 815 with leucine.
Molecular consequence: missense variant.
Genome position (GRCh38, 1-based): chr11:66,241,441, C>T. VCF-style: chr11-66241441-C-T. GRCh37 (hg19) VCF-style: chr11-66008912-C-T.
Other names: short protein forms P815L.
Identifiers: ClinVar variation 3714329 (VCV003714329.2).
Genomic context (GRCh38, chr11:66,241,441, plus strand): 5'-GAGCTGAAGGCAGAGCTGACCTCTCCTCTTTGTTCCCTTTCCTCAGGAGCCCTAATAGCC[C>T]ATATGGGGACGTGATTGGCCTCCAGGTGGACTACTGGCTGGGCCACCCCGGGGAGCGGAG-3'
Protein context (NP_060496.2, residues 805-825): ALAIVGSPNS[Pro815Leu]YGDVIGLQVD